The following is an entry in ClinVar:

ClinVar aggregate classification (germline): Likely pathogenic (1 of 4 stars; one submission).

Conditions:
Nephrotic syndrome, type 2 (NPHS2). Also called: NEPHROTIC SYNDROME, STEROID-RESISTANT, AUTOSOMAL RECESSIVE. Identifiers: Orphanet 656, MedGen C1868672, MONDO:0010974, OMIM 600995.

Submission:

Myriad Genetics, Inc.
Classification: Likely pathogenic for Nephrotic syndrome, type 2. Last evaluated: 2022-02-25. Review status: criteria provided, single submitter. Criteria: Myriad Women's Health Autosomal Recessive and X-Linked Classification Criteria (2021). Collection method: clinical testing. Allele origin: unknown.
Comment: NM_014625.2(NPHS2):c.528_529delTC(F176Lfs*2) is expected to be pathogenic in the context of nephrotic syndrome, NPHS2-related. This variant is predicted to lead to an abnormal or absent protein product due to the creation of a premature termination codon in NPHS2, a gene where loss-of-function variants are known to be pathogenic. Please note: this variant was assessed in the context of healthy population screening.

NM_014625.4(NPHS2):c.528_529del (p.Phe176fs)

Gene: NPHS2 (NPHS2 stomatin family member, podocin; minus strand). Cytogenetic location: 1q25.2.
Variant type: Deletion.
Coding change: c.528_529del on transcript NM_014625.4 (MANE Select); coding-DNA positions 528 to 529, 2 bases deleted (TC; older notation c.528_529delTC).
Protein change: p.Phe176fs; shifts the reading frame from phenylalanine 176.
Molecular consequence: frameshift variant.
Genome position (GRCh38, 1-based): chr1:179,559,684-179,559,685, GA deleted on the plus strand (TC on the coding strand, the reverse complement: NPHS2 is on the minus strand). VCF-style (leftmost placement, unchanged base first): chr1-179559683-TGA-T. GRCh37 (hg19) VCF-style: chr1-179528818-TGA-T.
Other names: c.528_529del, p.Phe176fs (NM_001297575.2); short protein forms F176fs.
Identifiers: ClinVar variation 1724688 (VCV001724688.2), dbSNP rs2526288126, ClinGen allele CA2580061536.
Genomic context (GRCh38, chr1:179,559,683, plus strand): 5'-CGGTAGGTAGACCATGGAAAATGTATAGAGAAAGCAAAAGCCATCATTTGGCTTACCTCA[TGA>T]AAAGGTATCTCCAGAGTTTGGAGACGAAGGTCAACCTTGTGGTAGGTATCCAGGCAGGGC-3'